The following is an entry in ClinVar:

ClinVar aggregate classification (germline): Uncertain significance (1 of 4 stars; one submission).

Conditions:
Adams-Oliver syndrome 5 (AOS5). Identifiers: Orphanet 974, MedGen C4014970, MONDO:0014459, OMIM 616028.

Submission:

Labcorp Genetics (formerly Invitae), Labcorp
Classification: Uncertain significance for Adams-Oliver syndrome 5. Last evaluated: 2025-11-17. Review status: criteria provided, single submitter. Criteria: Invitae Variant Classification Sherloc (09022015). Collection method: clinical testing. Allele origin: germline.
Comment: This sequence change replaces serine, which is neutral and polar, with glycine, which is neutral and non-polar, at codon 836 of the NOTCH1 protein (p.Ser836Gly). This variant is not present in population databases (gnomAD no frequency). This variant has not been reported in the literature in individuals affected with NOTCH1-related conditions. Invitae Evidence Modeling of protein sequence and biophysical properties (such as structural, functional, and spatial information, amino acid conservation, physicochemical variation, residue mobility, and thermodynamic stability) indicates that this missense variant is not expected to disrupt NOTCH1 protein function with a negative predictive value of 80%. In summary, the available evidence is currently insufficient to determine the role of this variant in disease. Therefore, it has been classified as a Variant of Uncertain Significance.

NM_017617.5(NOTCH1):c.2506A>G (p.Ser836Gly)

Gene: NOTCH1 (notch receptor 1; minus strand). Cytogenetic location: 9q34.3.
Variant type: single nucleotide variant.
Coding change: c.2506A>G on transcript NM_017617.5 (MANE Select); coding-DNA position 2506, A replaced by G.
Protein change: p.Ser836Gly; replaces serine 836 with glycine.
Molecular consequence: missense variant.
Genome position (GRCh38, 1-based): chr9:136,511,233, T>C on the plus strand (A>G on the coding strand, the complement: NOTCH1 is on the minus strand). VCF-style: chr9-136511233-T-C. GRCh37 (hg19) VCF-style: chr9-139405685-T-C.
Other names: short protein forms S836G.
Identifiers: ClinVar variation 4745484 (VCV004745484.1).